The following is an entry in ClinVar:

NM_021927.3(GUF1):c.1351_1352del (p.Glu451fs)

Gene: GUF1 (GTP binding elongation factor GUF1; plus strand). Cytogenetic location: 4p12.
Variant type: Deletion.
Coding change: c.1351_1352del on transcript NM_021927.3 (MANE Select); coding-DNA positions 1351 to 1352, 2 bases deleted (GA; older notation c.1351_1352delGA).
Protein change: p.Glu451fs; shifts the reading frame from glutamic acid 451.
Molecular consequence: frameshift variant.
Genome position (GRCh38, 1-based): chr4:44,690,732-44,690,733, GA deleted; deleting any 2 consecutive bases within chr4:44,690,731-44,690,733 gives the same sequence; the c. name uses the placement nearest the transcript's 3' end. VCF-style (leftmost placement, unchanged base first): chr4-44690730-AAG-A. GRCh37 (hg19) VCF-style: chr4-44692747-AAG-A.
Other names: c.1351_1352delGA (NM_021927.3); c.379_380del, p.Glu127fs (NM_001345867.2, NM_001345869.2); c.1351_1352del, p.Glu451fs (NM_001345868.2); short protein forms E451fs, E127fs.
Identifiers: ClinVar variation 1437267 (VCV001437267.5), dbSNP rs749030301, ClinGen allele CA2905623.

ClinVar aggregate classification (germline): Uncertain significance. Review status: criteria provided, multiple submitters, no conflicts (2 of 4 stars). 3 submissions from 3 submitters: Uncertain significance (3). Last evaluated 2023-12-08.

Submissions (3):

Women's Health and Genetics/Laboratory Corporation of America, LabCorp
Classification: Uncertain significance. Last evaluated: 2023-12-08. Review status: criteria provided, single submitter. Criteria: LabCorp Variant Classification Summary - May 2015. Collection method: clinical testing. Allele origin: germline.
Comment: Variant summary: GUF1 c.1351_1352delGA (p.Glu451AsnfsX12) results in a premature termination codon, predicted to cause absence of the protein due to nonsense mediated decay, however current evidence is not sufficient to establish loss-of-function variants in GUF1 as causative of disease. The variant allele was found at a frequency of 4.2e-05 in 236846 control chromosomes (gnomAD). This frequency is not significantly higher than estimated for a pathogenic variant in GUF1 causing Early Infantile Epileptic Encephalopathy, 40 (4.2e-05 vs 0.0011), allowing no conclusion about variant significance. To our knowledge, no occurrence of c.1351_1352delGA in individuals affected with Early Infantile Epileptic Encephalopathy, 40 and no experimental evidence demonstrating its impact on protein function have been reported. One submitter has cited a clinical-significance assessment for this variant to ClinVar after 2014 and has classified the variant as uncertain significance. Based on the evidence outlined above, the variant was classified as uncertain significance.

Blueprint Genetics
Classification: Uncertain significance. Last evaluated: 2023-11-21. Review status: criteria provided, single submitter. Criteria: ACMG Guidelines, 2015. Collection method: clinical testing. Allele origin: germline.

Labcorp Genetics (formerly Invitae), Labcorp
Classification: Uncertain significance. Last evaluated: 2022-07-06. Review status: criteria provided, single submitter. Criteria: Invitae Variant Classification Sherloc (09022015). Collection method: clinical testing. Allele origin: germline.
Comment: This sequence change creates a premature translational stop signal (p.Glu451Asnfs*12) in the GUF1 gene. It is expected to result in an absent or disrupted protein product. However, the current clinical and genetic evidence is not sufficient to establish whether loss-of-function variants in GUF1 cause disease. This variant is present in population databases (rs749030301, gnomAD 0.009%). This variant has not been reported in the literature in individuals affected with GUF1-related conditions. ClinVar contains an entry for this variant (Variation ID: 1437267). In summary, the available evidence is currently insufficient to determine the role of this variant in disease. Therefore, it has been classified as a Variant of Uncertain Significance.